The following is an entry in ClinVar:

ClinVar aggregate classification (germline): Uncertain significance (1 of 4 stars; one submission).

gnomAD v4.1: 1 of 1,614,176 alleles (0.000062%); highest among the groups gnomAD compares: Admixed American, 0.0017%; no homozygotes.

Submission:

Labcorp Genetics (formerly Invitae), Labcorp
Classification: Uncertain significance. Last evaluated: 2025-09-21. Review status: criteria provided, single submitter. Criteria: Invitae Variant Classification Sherloc (09022015). Collection method: clinical testing. Allele origin: germline.
Comment: This sequence change replaces asparagine, which is neutral and polar, with serine, which is neutral and polar, at codon 1919 of the MYH9 protein (p.Asn1919Ser). This variant is not present in population databases (gnomAD no frequency). This variant has not been reported in the literature in individuals affected with MYH9-related conditions. Invitae Evidence Modeling of protein sequence and biophysical properties (such as structural, functional, and spatial information, amino acid conservation, physicochemical variation, residue mobility, and thermodynamic stability) indicates that this missense variant is not expected to disrupt MYH9 protein function with a negative predictive value of 95%. In summary, the available evidence is currently insufficient to determine the role of this variant in disease. Therefore, it has been classified as a Variant of Uncertain Significance.

NM_002473.6(MYH9):c.5756A>G (p.Asn1919Ser)

Gene: MYH9 (myosin heavy chain 9; minus strand). Cytogenetic location: 22q12.3.
Variant type: single nucleotide variant.
Coding change: c.5756A>G on transcript NM_002473.6 (MANE Select); coding-DNA position 5756, A replaced by G.
Protein change: p.Asn1919Ser; replaces asparagine 1919 with serine.
Molecular consequence: missense variant.
Genome position (GRCh38, 1-based): chr22:36,284,102, T>C on the plus strand (A>G on the coding strand, the complement: MYH9 is on the minus strand). VCF-style: chr22-36284102-T-C. GRCh37 (hg19) VCF-style: chr22-36680148-T-C.
Other names: short protein forms N1919S.
Identifiers: ClinVar variation 4768717 (VCV004768717.1).